The following is an entry in ClinVar:

ClinVar aggregate classification (germline): Uncertain significance (1 of 4 stars; one submission).

Allele frequency attached by ClinVar (database versions not stated): gnomAD exomes below 0.00001; TOPMed below 0.00001; gnomAD 0.00001.
gnomAD v4.1: 2 of 1,614,084 alleles (0.00012%); highest among the groups gnomAD compares: Non-Finnish European, 0.00017%; no homozygotes.

Submission:

Ambry Genetics
Classification: Uncertain significance. Last evaluated: 2024-06-07. Review status: criteria provided, single submitter. Criteria: Ambry Variant Classification Scheme 2023. Collection method: clinical testing. Allele origin: germline.
Comment: The p.Q323H variant (also known as c.969G>C), located in coding exon 6 of the IDH1 gene, results from a G to C substitution at nucleotide position 969. The glutamine at codon 323 is replaced by histidine, an amino acid with highly similar properties. This amino acid position is conserved. In addition, this alteration is predicted to be tolerated by in silico analysis. Since supporting evidence is limited at this time, the clinical significance of this alteration remains unclear.

NM_005896.4(IDH1):c.969G>C (p.Gln323His)

Gene: IDH1 (isocitrate dehydrogenase (NADP(+)) 1; minus strand). Cytogenetic location: 2q34.
Variant type: single nucleotide variant.
Coding change: c.969G>C on transcript NM_005896.4 (MANE Select); coding-DNA position 969, G replaced by C.
Protein change: p.Gln323His; replaces glutamine 323 with histidine.
Molecular consequence: missense variant.
Genome position (GRCh38, 1-based): chr2:208,239,885, C>G on the plus strand (G>C on the coding strand, the complement: IDH1 is on the minus strand). VCF-style: chr2-208239885-C-G. GRCh37 (hg19) VCF-style: chr2-209104609-C-G.
Other names: c.969G>C, p.Gln323His (NM_001282386.1, NM_001282387.1); short protein forms Q323H.
Identifiers: ClinVar variation 1767855 (VCV001767855.3), dbSNP rs1687885183, ClinGen allele CA350095037.